The following is an entry in ClinVar:

NM_194248.3(OTOF):c.*372C>T

Gene: OTOF (otoferlin; minus strand). Cytogenetic location: 2p23.3.
Variant type: single nucleotide variant.
Coding change: c.*372C>T on transcript NM_194248.3 (MANE Select); 372 bases downstream of the stop codon, C replaced by T.
Molecular consequence: 3 prime UTR variant.
Genome position (GRCh38, 1-based): chr2:26,457,866, G>A on the plus strand (C>T on the coding strand, the complement: OTOF is on the minus strand). VCF-style: chr2-26457866-G-A. GRCh37 (hg19) VCF-style: chr2-26680734-G-A.
Other names: c.*174C>T (NM_001287489.2, NM_194323.3); c.*372C>T (NM_004802.4, NM_194322.3).
Identifiers: ClinVar variation 335426 (VCV000335426.9), dbSNP rs56025829, ClinGen allele CA10614846.

ClinVar aggregate classification (germline): Benign/Likely benign. Review status: criteria provided, multiple submitters, no conflicts (2 of 4 stars). 3 submissions from 3 submitters: Benign (1); Likely benign (2). Last evaluated 2018-07-14.

Conditions:
Autosomal recessive nonsyndromic hearing loss 9. Also called: Deafness, autosomal recessive 9; NEUROSENSORY NONSYNDROMIC RECESSIVE DEAFNESS 9; OTOF-Related Hearing Loss; AUDITORY NEUROPATHY, AUTOSOMAL RECESSIVE, 1, TEMPERATURE-SENSITIVE. Identifiers: Orphanet 90636, MedGen C1832828, MONDO:0010986, OMIM 601071.

Allele frequency attached by ClinVar (database versions not stated): gnomAD exomes 0.00570; gnomAD 0.03793; 1000 Genomes Project 0.04253; TOPMed 0.04407; 1000 Genomes Project 30x 0.04450.
gnomAD v4.1: 9,010 of 664,794 alleles (1.4%); highest among the groups gnomAD compares: African/African-American, 13%; 496 homozygotes.

Submissions (3):

GeneDx
Classification: Benign. Last evaluated: 2018-07-14. Review status: criteria provided, single submitter. Criteria: GeneDx Variant Classification Process June 2021. Collection method: clinical testing. Allele origin: germline. Affected: yes.

Illumina Laboratory Services, Illumina
Classification: Likely benign for Autosomal recessive nonsyndromic hearing loss 9. Last evaluated: 2017-04-27. Review status: criteria provided, single submitter. Criteria: ICSL Variant Classification Criteria 13 December 2019. Collection method: clinical testing. Allele origin: germline.
Comment: This variant was observed as part of a predisposition screen in an ostensibly healthy population. A literature search was performed for the gene, cDNA change, and amino acid change (where applicable). No publications were found based on this search. Allele frequency data from public databases allowed determination this variant is unlikely to cause disease. Therefore, this variant is classified as likely benign.

Breakthrough Genomics
Classification: Likely benign. Review status: criteria provided, single submitter. Criteria: ACMG Guidelines, 2015. Collection method: not provided. Allele origin: germline. Inheritance: Autosomal recessive inheritance. Affected: yes.